The following is an entry in ClinVar:

NM_004793.4(LONP1):c.421A>G (p.Ile141Val)

Gene: LONP1 (lon peptidase 1, mitochondrial; minus strand). Cytogenetic location: 19p13.3.
Variant type: single nucleotide variant.
Coding change: c.421A>G on transcript NM_004793.4 (MANE Select); coding-DNA position 421, A replaced by G.
Protein change: p.Ile141Val; replaces isoleucine 141 with valine.
Molecular consequence: missense variant. On other transcripts: non-coding transcript variant (1), intron variant (1).
Genome position (GRCh38, 1-based): chr19:5,719,712, T>C on the plus strand (A>G on the coding strand, the complement: LONP1 is on the minus strand). VCF-style: chr19-5719712-T-C. GRCh37 (hg19) VCF-style: chr19-5719723-T-C.
Other names: c.229A>G, p.Ile77Val (NM_001276479.2); c.-160+507A>G (NM_001276480.1); short protein forms I141V, I77V.
Identifiers: ClinVar variation 4709733 (VCV004709733.1).

ClinVar aggregate classification (germline): Uncertain significance (1 of 4 stars; one submission).

gnomAD v4.1: 3 of 1,613,860 alleles (0.00019%); highest among the groups gnomAD compares: Non-Finnish European, 0.00025%; no homozygotes.

Submission:

Labcorp Genetics (formerly Invitae), Labcorp
Classification: Uncertain significance. Last evaluated: 2025-07-30. Review status: criteria provided, single submitter. Criteria: Invitae Variant Classification Sherloc (09022015). Collection method: clinical testing. Allele origin: germline.
Comment: This sequence change replaces isoleucine, which is neutral and non-polar, with valine, which is neutral and non-polar, at codon 141 of the LONP1 protein (p.Ile141Val). This variant is not present in population databases (gnomAD no frequency). This variant has not been reported in the literature in individuals affected with LONP1-related conditions. Invitae Evidence Modeling of protein sequence and biophysical properties (such as structural, functional, and spatial information, amino acid conservation, physicochemical variation, residue mobility, and thermodynamic stability) indicates that this missense variant is not expected to disrupt LONP1 protein function with a negative predictive value of 95%. Algorithms developed to predict the effect of sequence changes on RNA splicing suggest that this variant may create or strengthen a splice site. In summary, the available evidence is currently insufficient to determine the role of this variant in disease. Therefore, it has been classified as a Variant of Uncertain Significance.